The following is an entry in ClinVar:

ClinVar aggregate classification (germline): Conflicting classifications of pathogenicity. Review status: criteria provided, conflicting classifications (1 of 4 stars). 4 submissions from 4 submitters: Uncertain significance (3); Likely benign (1). Last evaluated 2025-07-14.

Conditions:
Peutz-Jeghers syndrome (PJS). Also called: POLYPOSIS, HAMARTOMATOUS INTESTINAL; POLYPS-AND-SPOTS SYNDROME; Peutz-Jeghers polyposis; Periorificial lentiginosis syndrome. Identifiers: Orphanet 2869, MedGen C0031269, MeSH D010580, MONDO:0008280, OMIM 175200.
Hereditary cancer-predisposing syndrome. Also called: Hereditary Cancer Syndrome; Hereditary neoplastic syndrome; Tumor predisposition; Neoplastic Syndromes, Hereditary. Identifiers: Orphanet 140162, MedGen C0027672, MeSH D009386, MONDO:0015356.

Allele frequency attached by ClinVar (database versions not stated): gnomAD 0.00001; TOPMed 0.00001; gnomAD exomes 0.00002; ExAC 0.00004.
gnomAD v4.1: 12 of 1,611,044 alleles (0.00074%); highest among the groups gnomAD compares: Non-Finnish European, 0.001%; no homozygotes.

Submissions (4):

Labcorp Genetics (formerly Invitae), Labcorp
Classification: Uncertain significance for Peutz-Jeghers syndrome. Last evaluated: 2025-07-14. Review status: criteria provided, single submitter. Criteria: Invitae Variant Classification Sherloc (09022015). Collection method: clinical testing. Allele origin: germline.
Comment: This sequence change replaces glycine, which is neutral and non-polar, with serine, which is neutral and polar, at codon 385 of the STK11 protein (p.Gly385Ser). This variant is present in population databases (rs763586612, gnomAD 0.005%). This variant has not been reported in the literature in individuals affected with STK11-related conditions. ClinVar contains an entry for this variant (Variation ID: 458017). Invitae Evidence Modeling of protein sequence and biophysical properties (such as structural, functional, and spatial information, amino acid conservation, physicochemical variation, residue mobility, and thermodynamic stability) indicates that this missense variant is not expected to disrupt STK11 protein function with a negative predictive value of 95%. In summary, the available evidence is currently insufficient to determine the role of this variant in disease. Therefore, it has been classified as a Variant of Uncertain Significance.

Center for Genomic Medicine, Rigshospitalet, Copenhagen University Hospital
Classification: Uncertain significance. Last evaluated: 2025-03-04. Review status: criteria provided, single submitter. Criteria: ACMG Guidelines, 2015. Collection method: clinical testing. Allele origin: germline.

Color Diagnostics, LLC DBA Color Health
Classification: Uncertain significance for Hereditary cancer-predisposing syndrome. Last evaluated: 2023-06-20. Review status: criteria provided, single submitter. Criteria: ACMG Guidelines, 2015. Collection method: clinical testing. Allele origin: germline.
Comment: This missense variant replaces glycine with serine at codon 385 of the STK11 protein. Computational prediction suggests that this variant may not impact protein structure and function (internally defined REVEL score threshold <= 0.5, PMID: 27666373). To our knowledge, functional studies have not been reported for this variant. This variant has not been reported in individuals affected with STK11-related disorders in the literature. This variant has been identified in 5/240972 chromosomes in the general population by the Genome Aggregation Database (gnomAD). The available evidence is insufficient to determine the role of this variant in disease conclusively. Therefore, this variant is classified as a Variant of Uncertain Significance.

Ambry Genetics
Classification: Likely benign for Hereditary cancer-predisposing syndrome. Last evaluated: 2023-03-31. Review status: criteria provided, single submitter. Criteria: Ambry Variant Classification Scheme 2023. Collection method: clinical testing. Allele origin: germline.

NM_000455.5(STK11):c.1153G>A (p.Gly385Ser)

Gene: STK11 (serine/threonine kinase 11; plus strand). Cytogenetic location: 19p13.3.
Variant type: single nucleotide variant.
Coding change: c.1153G>A on transcript NM_000455.5 (MANE Select); coding-DNA position 1153, G replaced by A.
Protein change: p.Gly385Ser; replaces glycine 385 with serine.
Molecular consequence: missense variant.
Genome position (GRCh38, 1-based): chr19:1,226,498, G>A. VCF-style: chr19-1226498-G-A. GRCh37 (hg19) VCF-style: chr19-1226497-G-A.
Other names: short protein forms G385S.
Identifiers: ClinVar variation 458017 (VCV000458017.17), dbSNP rs763586612, ClinGen allele CA045647.
Genomic context (GRCh38, chr19:1,226,498, plus strand): 5'-GCCGTCTCCCTCCCAGGACAGGTCCCAGAAGAGGAGGCCAGTCACAATGGACAGCGCCGG[G>A]GCCTCCCCAAGGCCGTGTGTATGAACGGCACAGAGGCGGCGCAGCTGAGCACCAAATCCA-3'
Protein context (NP_000446.1, residues 375-395): EEASHNGQRR[Gly385Ser]LPKAVCMNGT